The following is an entry in ClinVar:

NM_004360.5(CDH1):c.687+99A>G

Gene: CDH1 (cadherin 1; plus strand). Cytogenetic location: 16q22.1.
Variant type: single nucleotide variant.
Coding change: c.687+99A>G on transcript NM_004360.5 (MANE Select); 99 bases into the intron after coding-DNA position 687, A replaced by G.
Molecular consequence: intron variant.
Genome position (GRCh38, 1-based): chr16:68,808,947, A>G. VCF-style: chr16-68808947-A-G. GRCh37 (hg19) VCF-style: chr16-68842850-A-G.
Other names: c.-929+99A>G (NM_001317185.2); c.-1133+99A>G (NM_001317186.2); c.687+99A>G (NM_001317184.2).
Identifiers: ClinVar variation 4987415 (VCV004987415.1).
Genomic context (GRCh38, chr16:68,808,947, plus strand): 5'-ATCCACCCAGGATTTTTTGGTCAACCCATGCTGGATCCGCAGATCAGAGGCTCTGAACAC[A>G]TGAGGAGCTTAACTTGACACCTCTTGACCTGTTGCTAAGGAGAAGTGATGGGAGAACGTG-3'

ClinVar aggregate classification (germline): Likely benign (1 of 4 stars; one submission).

Conditions:
CDH1-related disorder. Also called: CDH1-related condition.

Submission:

PreventionGenetics, part of Exact Sciences
Classification: Likely benign for CDH1-related condition. Last evaluated: 2024-10-30. Review status: criteria provided, single submitter. Criteria: ACMG Guidelines, 2015. Collection method: clinical testing. Allele origin: germline.
Comment: This variant is classified as likely benign based on ACMG/AMP sequence variant interpretation guidelines (Richards et al. 2015 PMID: 25741868, with internal and published modifications).